The following is an entry in ClinVar:

NC_000012.11:g.(?_133234444)_(133263901_?)dup

Gene: POLE (DNA polymerase epsilon, catalytic subunit; minus strand). Cytogenetic location: 12q24.33.
Variant type: Duplication.
Identifiers: ClinVar variation 2425539 (VCV002425539.4).

ClinVar aggregate classification (germline): Uncertain significance (1 of 4 stars; one submission).

Submission:

Labcorp Genetics (formerly Invitae), Labcorp
Classification: Uncertain significance. Last evaluated: 2022-01-31. Review status: criteria provided, single submitter. Criteria: Invitae Variant Classification Sherloc (09022015). Collection method: clinical testing. Allele origin: germline.
Comment: This variant results in a copy number gain of the genomic region encompassing exon(s) 1-27 of the POLE gene. This region includes the initiator codon of the gene. This copy number gain extends beyond the assayed region for this gene and therefore may encompass additional genes. As the precise location of this event is unknown, it may be in tandem or it may be located elsewhere in the genome. In summary, the available evidence is currently insufficient to determine the role of this variant in disease. Therefore, it has been classified as a Variant of Uncertain Significance. Experimental studies and prediction algorithms are not available or were not evaluated, and the functional significance of this variant is currently unknown. This variant has not been reported in the literature in individuals affected with POLE-related conditions.